The following is an entry in ClinVar:

ClinVar aggregate classification (germline): Uncertain significance. Review status: criteria provided, multiple submitters, no conflicts (2 of 4 stars). 2 submissions from 2 submitters: Uncertain significance (2). Last evaluated 2025-04-02.

Conditions:
Inborn genetic diseases. Identifiers: MedGen C0950123, MeSH D030342.
Autosomal dominant Parkinson disease 8. Also called: LRRK2-Related Parkinson Disease; Parkinson disease 8; Parkinson disease 8, susceptibility to. Identifiers: Orphanet 411602, MedGen C1846862, MONDO:0011764, OMIM 607060.

Allele frequency attached by ClinVar (database versions not stated): gnomAD exomes below 0.00001 and 0.00002; TOPMed below 0.00001; gnomAD 0.00001; ExAC 0.00002.
gnomAD v4.1: 4 of 1,610,824 alleles (0.00025%); highest among the groups gnomAD compares: East Asian, 0.0045%; no homozygotes.

Submissions (2):

Ambry Genetics
Classification: Uncertain significance for Inborn genetic diseases. Last evaluated: 2025-04-02. Review status: criteria provided, single submitter. Criteria: Ambry Variant Classification Scheme 2023. Collection method: clinical testing. Allele origin: germline.

Labcorp Genetics (formerly Invitae), Labcorp
Classification: Uncertain significance for Autosomal dominant Parkinson disease 8. Last evaluated: 2024-10-29. Review status: criteria provided, single submitter. Criteria: Invitae Variant Classification Sherloc (09022015). Collection method: clinical testing. Allele origin: germline.
Comment: This sequence change replaces glycine, which is neutral and non-polar, with glutamic acid, which is acidic and polar, at codon 1312 of the LRRK2 protein (p.Gly1312Glu). This variant is present in population databases (rs758688913, gnomAD 0.02%). This variant has not been reported in the literature in individuals affected with LRRK2-related conditions. ClinVar contains an entry for this variant (Variation ID: 963111). Invitae Evidence Modeling of protein sequence and biophysical properties (such as structural, functional, and spatial information, amino acid conservation, physicochemical variation, residue mobility, and thermodynamic stability) indicates that this missense variant is not expected to disrupt LRRK2 protein function with a negative predictive value of 80%. In summary, the available evidence is currently insufficient to determine the role of this variant in disease. Therefore, it has been classified as a Variant of Uncertain Significance.

NM_198578.4(LRRK2):c.3935G>A (p.Gly1312Glu)

Gene: LRRK2 (leucine rich repeat kinase 2; plus strand). Cytogenetic location: 12q12.
Variant type: single nucleotide variant.
Coding change: c.3935G>A on transcript NM_198578.4 (MANE Select); coding-DNA position 3935, G replaced by A.
Protein change: p.Gly1312Glu; replaces glycine 1312 with glutamic acid.
Molecular consequence: missense variant.
Genome position (GRCh38, 1-based): chr12:40,305,942, G>A. VCF-style: chr12-40305942-G-A. GRCh37 (hg19) VCF-style: chr12-40699744-G-A.
Other names: short protein forms G1312E.
Identifiers: ClinVar variation 963111 (VCV000963111.12), dbSNP rs758688913, ClinGen allele CA6514043.